The following is an entry in ClinVar:

NM_002529.4(NTRK1):c.1354+1G>T

Gene: NTRK1 (neurotrophic receptor tyrosine kinase 1; plus strand). Cytogenetic location: 1q23.1.
Variant type: single nucleotide variant.
Coding change: c.1354+1G>T on transcript NM_002529.4 (MANE Select); the canonical splice donor site of the intron after coding-DNA position 1354, G replaced by T.
Molecular consequence: splice donor variant.
Genome position (GRCh38, 1-based): chr1:156,875,009, G>T. VCF-style: chr1-156875009-G-T. GRCh37 (hg19) VCF-style: chr1-156844801-G-T.
Other names: c.1246+1G>T (NM_001007792.1); c.1336+1G>T (NM_001012331.2).
Identifiers: ClinVar variation 942399 (VCV000942399.13), dbSNP rs764771898, ClinGen allele CA1169285.
Genomic context (GRCh38, chr1:156,875,009, plus strand): 5'-TTTCTACGCTGCTCCTTGTGCTCAACAAATGTGGACGGAGAAACAAGTTTGGGATCAACC[G>T]TGAGTCGGGGCTGCAGAGGGCTGTCTGTCTGTCTGTTCTCCTGGCTTTGTTTCCTACTGG-3'

ClinVar aggregate classification (germline): Pathogenic/Likely pathogenic. Review status: criteria provided, multiple submitters, no conflicts (2 of 4 stars). 8 submissions from 8 submitters: Pathogenic (6); Likely pathogenic (2). Last evaluated 2026-01-06.

Conditions:
Hereditary insensitivity to pain with anhidrosis (CIPA). Also called: HSAN Type IV; hereditary sensory and autonomic neuropathy type 4; FAMILIAL DYSAUTONOMIA, TYPE II; INSENSITIVITY TO PAIN, CONGENITAL, WITH ANHIDROSIS; NEUROPATHY, CONGENITAL SENSORY, WITH ANHIDROSIS; NTRK1 Congenital Insensitivity to Pain with Anhidrosis. Identifiers: Orphanet 642, MedGen C0020074, MONDO:0009746, OMIM 256800.

Allele frequency attached by ClinVar (database versions not stated): ExAC 0.00001; TOPMed 0.00001; gnomAD 0.00003.
gnomAD v4.1: 14 of 1,605,088 alleles (0.00087%); highest among the groups gnomAD compares: East Asian, 0.013%; no homozygotes.

Submissions (8):

Myriad Genetics, Inc.
Classification: Pathogenic for Hereditary insensitivity to pain with anhidrosis. Last evaluated: 2026-01-06. Review status: criteria provided, single submitter. Criteria: Myriad Autosomal Dominant, Autosomal Recessive and X-Linked Classification Criteria (2023). Collection method: clinical testing. Allele origin: unknown.
Comment: NM_002529.3(NTRK1):c.1354+1G>T is a variant in a canonical splice site classified as pathogenic in the context of congenital insensitivity to pain with anhidrosis, NTRK1-related. c.1354+1G>T has been observed in cases with relevant disease (PMID: 32219930, 33422294). Relevant functional assessments of this variant are not available in the literature. c.1354+1G>T has been observed in referenced population frequency databases. In summary, NM_002529.3(NTRK1):c.1354+1G>T is a variant in a canonical splice site in a gene where loss of function is a known mechanism of disease, is predicted to disrupt protein function, and has been observed more frequently in cases with the relevant disease than in healthy populations. Please note: this variant was assessed in the context of healthy population screening.

Natera, Inc.
Classification: Pathogenic for Hereditary insensitivity to pain with anhidrosis. Last evaluated: 2025-07-30. Review status: criteria provided, single submitter. Criteria: Natera Variant Classification Schema (03/2026). Collection method: clinical testing. Allele origin: germline.
Comment: The c.1336+1G>T variant in NTRK1 is a canonical splice donor site variant predicted to affect pre-mRNA splicing, which may result in an abnormal transcript and altered protein product. This variant is expected to result in nonsense mediated decay, truncation, or a dysfunctional protein product. This variant is rare in the general population with a frequency below the threshold expected for the associated phenotype(s). This variant has been observed in one or more individuals affected with the associated recessive disease, as either homozygous or compound heterozygous with a second variant (PMID: 32219930, 33422294). Given the available evidence, this variant is classified as Pathogenic.

Variantyx, Inc.
Classification: Pathogenic for Hereditary insensitivity to pain with anhidrosis. Last evaluated: 2025-06-30. Review status: criteria provided, single submitter. Criteria: Variantyx Assertion Criteria 2022. Collection method: clinical testing. Allele origin: germline. Inheritance: Autosomal recessive inheritance.
Comment: This is a canonical splicing variant in the NTRK1 gene (OMIM: 191315). Pathogenic variants in this gene have been associated with autosomal recessive congenital insensitivity to pain with anhidrosis. This variant has been identified in the homozygous or compound heterozygous state in at least one individual reported in the published literature (PMID: 32219930)(PM3). It has a 0.0134% maximum allele frequency in non-founder control populations (PM2). Based on the current evidence, this variant is classified as pathogenic for autosomal recessive congenital insensitivity to pain with anhidrosis.

Labcorp Genetics (formerly Invitae), Labcorp
Classification: Pathogenic for Hereditary insensitivity to pain with anhidrosis. Last evaluated: 2025-05-16. Review status: criteria provided, single submitter. Criteria: Invitae Variant Classification Sherloc (09022015). Collection method: clinical testing. Allele origin: germline.
Comment: This sequence change affects a donor splice site in intron 10 of the NTRK1 gene. It is expected to disrupt RNA splicing. Variants that disrupt the donor or acceptor splice site typically lead to a loss of protein function (PMID: 16199547), and loss-of-function variants in NTRK1 are known to be pathogenic (PMID: 10982191). This variant is present in population databases (rs764771898, gnomAD 0.03%). Disruption of this splice site has been observed in individual(s) with congenital insensitivity to pain with anhidrosis (PMID: 32219930, 33422294). In at least one individual the data is consistent with being in trans (on the opposite chromosome) from a pathogenic variant. This variant is also known as c.1354+1G>T. ClinVar contains an entry for this variant (Variation ID: 942399). Algorithms developed to predict the effect of sequence changes on RNA splicing suggest that this variant may disrupt the consensus splice site. For these reasons, this variant has been classified as Pathogenic.

Revvity Omics, Revvity
Classification: Pathogenic for Hereditary insensitivity to pain with anhidrosis. Last evaluated: 2023-09-26. Review status: criteria provided, single submitter. Criteria: ACMG Guidelines, 2015. Collection method: clinical testing. Allele origin: germline.

Women's Health and Genetics/Laboratory Corporation of America, LabCorp
Classification: Likely pathogenic for Hereditary insensitivity to pain with anhidrosis. Last evaluated: 2023-04-26. Review status: criteria provided, single submitter. Criteria: LabCorp Variant Classification Summary - May 2015. Collection method: clinical testing. Allele origin: germline.
Comment: Variant summary: NTRK1 c.1336+1G>T is located in a canonical splice-site and is predicted to affect mRNA splicing resulting in a significantly altered protein due to either exon skipping, shortening, or inclusion of intronic material. Several computational tools predict a significant impact on normal splicing: Four predict the variant abolishes a 5' splicing donor site. However, these predictions have yet to be confirmed by functional studies. The variant allele was found at a frequency of 1.6e-05 in 251370 control chromosomes. c.1336+1G>T has been reported in the literature in individuals affected with Hereditary Insensitivity To Pain With Anhidrosis (Zhao_2020, Li_2021). These data indicate that the variant may be associated with disease. To our knowledge, no experimental evidence demonstrating an impact on protein function has been reported. The following publications have been ascertained in the context of this evaluation (PMID: 33422294, 32219930). One clinical diagnostic laboratory has submitted clinical-significance assessments for this variant to ClinVar and classified the variant as pathogenic. Based on the evidence outlined above, the variant was classified as likely pathogenic.

Genome-Nilou Lab
Classification: Likely pathogenic for Hereditary insensitivity to pain with anhidrosis. Last evaluated: 2023-04-11. Review status: criteria provided, single submitter. Criteria: ACMG Guidelines, 2015. Collection method: clinical testing. Allele origin: germline. Affected: no.

Juno Genomics, Hangzhou Juno Genomics, Inc
Classification: Pathogenic for Hereditary insensitivity to pain with anhidrosis. Review status: criteria provided, single submitter. Criteria: ACMG Guidelines, 2015. Collection method: clinical testing. Allele origin: germline.
Comment: Absent from controls (or at extremely low frequency if recessive) in Genome Aggregation Database.;Null variant in a gene where loss of function (LOF) is a known mechanism of disease.;For recessive disorders, detected in trans with a pathogenic variant.;Patient's phenotype or family history is highly specific for a disease with a single genetic etiology.

Literature cited by the submitters: PubMed 32219930 (cited by 5 submitters); PubMed 33422294 (cited by 4 submitters); PubMed 16199547 (cited by Labcorp Genetics (formerly Invitae), Labcorp); PubMed 10982191 (cited by Labcorp Genetics (formerly Invitae), Labcorp).